The following is an entry in ClinVar:

NM_014444.5(TUBGCP4):c.1843G>C (p.Val615Leu)

Genes: TP53BP1 (tumor protein p53 binding protein 1; minus strand), TUBGCP4 (tubulin gamma complex component 4; plus strand). Cytogenetic location: 15q15.3.
Variant type: single nucleotide variant.
Coding change: c.1843G>C on transcript NM_014444.5 (MANE Select); coding-DNA position 1843, G replaced by C.
Protein change: p.Val615Leu; replaces valine 615 with leucine.
Molecular consequence: missense variant. On other transcripts: 3 prime UTR variant (5).
Genome position (GRCh38, 1-based): chr15:43,403,794, G>C. VCF-style: chr15-43403794-G-C. GRCh37 (hg19) VCF-style: chr15-43695992-G-C.
Other names: c.1846G>C, p.Val616Leu (NM_001286414.3); c.*3589C>G (NM_001141979.3, NM_001141980.3, NM_001355001.2 and 2 more transcripts); short protein forms V616L, V615L.
Identifiers: ClinVar variation 1999023 (VCV001999023.4), dbSNP rs760614831, ClinGen allele CA392140165.

ClinVar aggregate classification (germline): Uncertain significance (1 of 4 stars; one submission).

Submission:

Labcorp Genetics (formerly Invitae), Labcorp
Classification: Uncertain significance. Last evaluated: 2022-11-01. Review status: criteria provided, single submitter. Criteria: Invitae Variant Classification Sherloc (09022015). Collection method: clinical testing. Allele origin: germline.
Comment: This sequence change replaces valine, which is neutral and non-polar, with leucine, which is neutral and non-polar, at codon 616 of the TUBGCP4 protein (p.Val616Leu). This variant is not present in population databases (gnomAD no frequency). This variant has not been reported in the literature in individuals affected with TUBGCP4-related conditions. Advanced modeling of protein sequence and biophysical properties (such as structural, functional, and spatial information, amino acid conservation, physicochemical variation, residue mobility, and thermodynamic stability) performed at Invitae indicates that this missense variant is not expected to disrupt TUBGCP4 protein function. In summary, the available evidence is currently insufficient to determine the role of this variant in disease. Therefore, it has been classified as a Variant of Uncertain Significance.